The following is an entry in ClinVar:

ClinVar aggregate classification (germline): Uncertain significance. Review status: criteria provided, multiple submitters, no conflicts (2 of 4 stars). 2 submissions from 2 submitters: Uncertain significance (2). Last evaluated 2026-01-05.

Allele frequency attached by ClinVar (database versions not stated): ExAC 0.00003; TOPMed 0.00005; 1000 Genomes Project 0.00040; 1000 Genomes Project 30x 0.00047; gnomAD 0.00001; gnomAD exomes 0.00001.
gnomAD v4.1: 12 of 1,613,736 alleles (0.00074%); highest among the groups gnomAD compares: Admixed American, 0.0083%; no homozygotes.

Submissions (2):

Dasa
Classification: Uncertain significance. Last evaluated: 2026-01-05. Review status: criteria provided, single submitter. Criteria: DASA Assertion Criteria. Collection method: clinical testing. Allele origin: germline.
Comment: NM_002055.5(GFAP):c.805G>T (p.Ala269Ser) is a missense variant that results in the substitution of alanine with serine. The affected residue or protein region has prior evidence supporting clinical relevance. This variant is rare in population databases. The currently available literature and clinical evidence are not sufficient to establish a definitive association between this variant and the reported condition. Therefore, this variant is classified as a variant of uncertain significance.

Labcorp Genetics (formerly Invitae), Labcorp
Classification: Uncertain significance. Last evaluated: 2024-10-20. Review status: criteria provided, single submitter. Criteria: Invitae Variant Classification Sherloc (09022015). Collection method: clinical testing. Allele origin: germline.
Comment: This sequence change replaces alanine, which is neutral and non-polar, with serine, which is neutral and polar, at codon 269 of the GFAP protein (p.Ala269Ser). This variant is present in population databases (rs201784046, gnomAD 0.006%). This variant has not been reported in the literature in individuals affected with GFAP-related conditions. ClinVar contains an entry for this variant (Variation ID: 1899156). Invitae Evidence Modeling of protein sequence and biophysical properties (such as structural, functional, and spatial information, amino acid conservation, physicochemical variation, residue mobility, and thermodynamic stability) indicates that this missense variant is not expected to disrupt GFAP protein function with a negative predictive value of 95%. In summary, the available evidence is currently insufficient to determine the role of this variant in disease. Therefore, it has been classified as a Variant of Uncertain Significance.

NM_002055.5(GFAP):c.805G>T (p.Ala269Ser)

Gene: GFAP (glial fibrillary acidic protein; minus strand). Cytogenetic location: 17q21.31.
Variant type: single nucleotide variant.
Coding change: c.805G>T on transcript NM_002055.5 (MANE Select); coding-DNA position 805, G replaced by T.
Protein change: p.Ala269Ser; replaces alanine 269 with serine.
Molecular consequence: missense variant.
Genome position (GRCh38, 1-based): chr17:44,911,773, C>A on the plus strand (G>T on the coding strand, the complement: GFAP is on the minus strand). VCF-style: chr17-44911773-C-A. GRCh37 (hg19) VCF-style: chr17-42989141-C-A.
Other names: c.805G>T, p.Ala269Ser (NM_001131019.3, NM_001242376.3, NM_001363846.2); short protein forms A269S.
Identifiers: ClinVar variation 1899156 (VCV001899156.7), dbSNP rs201784046, ClinGen allele CA8608847.